The following is an entry in ClinVar:

NM_000531.6(OTC):c.-4G>A

Gene: OTC (ornithine transcarbamylase; plus strand). Cytogenetic location: Xp11.4.
Variant type: single nucleotide variant.
Coding change: c.-4G>A on transcript NM_000531.6 (MANE Select); 4 bases upstream of the start codon, G replaced by A.
Molecular consequence: 5 prime UTR variant.
Genome position (GRCh38, 1-based): chrX:38,352,693, G>A. VCF-style: chrX-38352693-G-A. GRCh37 (hg19) VCF-style: chrX-38211946-G-A.
Identifiers: ClinVar variation 203868 (VCV000203868.6), dbSNP rs796052014, ClinGen allele CA312801.

ClinVar aggregate classification (germline): Uncertain significance. Review status: reviewed by expert panel (3 of 4 stars). 3 submissions from 3 submitters: Uncertain significance (1). 2 of the submissions do not count toward it. Last evaluated 2026-05-21.

Conditions:
Ornithine carbamoyltransferase deficiency (OTCD). Also called: OTC DEFICIENCY; ORNITHINE TRANSCARBAMYLASE DEFICIENCY; ORNITHINE TRANSCARBAMYLASE DEFICIENCY, HYPERAMMONEMIA DUE TO; Ornithine Carbamoyltransferase Deficiency Disease. Identifiers: Orphanet 664, MedGen C0268542, MONDO:0010703, OMIM 311250.

Allele frequency attached by ClinVar (database versions not stated): gnomAD exomes 0.00001.
gnomAD v4.1: 6 of 1,193,683 alleles (0.0005%); highest among the groups gnomAD compares: Non-Finnish European, 0.00068%; no homozygotes.

Submissions (3):

Clingen Urea Cycle Disorders Variant Curation Expert Panel, ClinGen
Classification: Uncertain significance for Ornithine carbamoyltransferase deficiency. Last evaluated: 2026-05-21. Review status: reviewed by expert panel. Criteria: ClinGen UreaCycles ACMG Specifications OTC V1.0. Collection method: curation. Allele origin: germline. Inheritance: X-linked inheritance.
Comment: The NM_000531.6:c.-4G>A variant is within the 5’UTR of OTC. Because the variant is located in the 5’UTR, it is not expected to alter the amino acid sequence. To our knowledge, this variant has not been reported in the literature and results of functional studies are unavailable. The Grpmax Filtering AF for the -4G>A variant is 2.4e-6 with 3 hemizygotes present (none of the population data codes are met). In summary, this variant meets the criteria to be classified as a variant of uncertain significance for OTC deficiency based on the ACMG/AMP criteria applied, as specified by the ClinGen Urea Cycle Disorders Variant Curation Expert Panel (OTC specifications version 1.0.0): no criteria met.

Color Diagnostics, LLC DBA Color Health
Classification: Uncertain significance for Ornithine carbamoyltransferase deficiency. Last evaluated: 2025-11-20. Review status: criteria provided, single submitter. Criteria: ACMG Guidelines, 2015. Collection method: clinical testing. Allele origin: germline. Not counted in ClinVar's aggregate classification.
Comment: This variant is a G to A substitution at the -4 position in the 5' untranslated region of the OTC gene. To our knowledge, expression studies have not been reported for this variant. This variant has not been reported in individuals affected with OTC-related disorders in the literature. This variant has been identified in 6/1193683 chromosomes in the general population by the Genome Aggregation Database (gnomAD). The available evidence is insufficient to determine the role of this variant in disease conclusively. Therefore, this variant is classified as a Variant of Uncertain Significance.

GeneDx
Classification: Likely benign. Last evaluated: 2021-04-08. Review status: criteria provided, single submitter. Criteria: GeneDx Variant Classification Process June 2021. Collection method: clinical testing. Allele origin: germline. Affected: yes. Not counted in ClinVar's aggregate classification.